The following is an entry in ClinVar:

NM_177972.3(TUB):c.504G>A (p.Thr168=)

Genes: RIC3 (RIC3 acetylcholine receptor chaperone; minus strand), TUB (TUB bipartite transcription factor; plus strand). Cytogenetic location: 11p15.4.
Variant type: single nucleotide variant.
Coding change: c.504G>A on transcript NM_177972.3 (MANE Select); coding-DNA position 504, G replaced by A.
Protein change: p.Thr168=; no amino-acid change (threonine 168 retained).
Molecular consequence: synonymous variant.
Genome position (GRCh38, 1-based): chr11:8,095,604, G>A. VCF-style: chr11-8095604-G-A. GRCh37 (hg19) VCF-style: chr11-8117151-G-A.
Other names: c.669G>A, p.Thr223= (NM_003320.5).
Identifiers: ClinVar variation 3061519 (VCV003061519.2), dbSNP rs372520211, ClinGen allele CA5871115.

ClinVar aggregate classification (germline): Likely benign (0 of 4 stars; one submission).

Conditions:
TUB-related disorder. Also called: TUB-related condition.

Allele frequency attached by ClinVar (database versions not stated): gnomAD exomes below 0.00001; TOPMed 0.00001; gnomAD 0.00001; ESP Exome Variant Server 0.00008; ExAC 0.00001.
gnomAD v4.1: 9 of 1,612,518 alleles (0.00056%); highest among the groups gnomAD compares: Middle Eastern, 0.016%; no homozygotes.

Submission:

PreventionGenetics, part of Exact Sciences
Classification: Likely benign for TUB-related condition. Last evaluated: 2022-02-08. Review status: no assertion criteria provided. Collection method: clinical testing. Allele origin: germline.
Comment: This variant is classified as likely benign based on ACMG/AMP sequence variant interpretation guidelines (Richards et al. 2015 PMID: 25741868, with internal and published modifications).